The following is an entry in ClinVar:

ClinVar aggregate classification (germline): Pathogenic. Review status: criteria provided, multiple submitters, no conflicts (2 of 4 stars). 3 submissions from 3 submitters: Pathogenic (3). Last evaluated 2024-03-15.

Conditions:
RPS6KA3-related disorder. Also called: RPS6KA3-related condition.
Coffin-Lowry syndrome (CLS). Also called: COFFIN-LOWRY SYNDROME, MILD; Mental retardation with osteocartilaginous abnormalities. Identifiers: Orphanet 192, MedGen C0265252, MONDO:0010561, OMIM 303600.

Submissions (3):

GeneDx
Classification: Pathogenic. Last evaluated: 2024-03-15. Review status: criteria provided, single submitter. Criteria: GeneDx Variant Classification Process June 2021. Collection method: clinical testing. Allele origin: germline. Affected: yes.
Comment: Nonsense variant predicted to result in protein truncation or nonsense mediated decay in a gene for which loss of function is a known mechanism of disease; Not observed at significant frequency in large population cohorts (gnomAD); This variant is associated with the following publications: (PMID: 17586481, 10094187, 25525159, 11180593, 16879200, 16306095, 35038833, 9837815)

Victorian Clinical Genetics Services, Murdoch Childrens Research Institute
Classification: Pathogenic for Coffin-Lowry syndrome. Last evaluated: 2023-07-17. Review status: criteria provided, single submitter. Criteria: ACMG Guidelines, 2015. Collection method: clinical testing. Allele origin: germline. Inheritance: X-linked dominant inheritance. Affected: yes.
Comment: Based on the classification scheme VCGS_Germline_v1.3.4, this variant is classified as Pathogenic. Following criteria are met: 0102 - Loss of function is a known mechanism of disease in this gene and is associated with Coffin-Lowry syndrome (MIM#303600) and intellectual developmental disorder, X-linked 19 (MIM#300844). (I) 0110 - This gene is associated with X-linked dominant disease. Females may be severely affected or very mild, with some affected males having inherited their variants from unaffected mothers (PMID: 19888300, PMID: 16879200). (I) 0115 - Variants in this gene are known to have variable expressivity, with intrafamilial variability reported (PMID: 32858545). (I) 0201 - Variant is predicted to cause nonsense-mediated decay (NMD) and loss of protein (premature termination codon is located at least 54 nucleotides upstream of the final exon-exon junction). (SP) 0253 - This variant is hemizygous. (I) 0301 - Variant is absent from gnomAD (both v2 and v3). (SP) 0701 - Other NMD-predicted variants comparable to the one identified in this case have very strong previous evidence for pathogenicity. These variants have been reported many times as pathogenic (DECIPHER). (SP) 0802 - This variant has moderate previous evidence of pathogenicity in unrelated individuals. One of these individuals inherited the variant from their similarly affected mother, whereas in another individual, their heterozygous mother was described as a carrier (PMID: 16306095, PMID: 35038833, PMID: 9837815). (SP) 1208 - Inheritance information for this variant is not currently available in this individual. (I) Legend: (SP) - Supporting pathogenic, (I) - Information, (SB) - Supporting benign

PreventionGenetics, part of Exact Sciences
Classification: Pathogenic for RPS6KA3-related condition. Last evaluated: 2023-07-11. Review status: criteria provided, single submitter. Criteria: ACMG Guidelines, 2015. Collection method: clinical testing. Allele origin: germline.
Comment: The RPS6KA3 c.1540C>T variant is predicted to result in premature protein termination (p.Arg514*). This variant has been reported in two individuals with Coffin-Lowry syndrome (Table 4, Jacquot et al. 1998. PubMed ID: 9837815; Micheli et al. 2007. PubMed ID: 17586481). This variant has not been reported in a large population database, indicating this variant is rare. Nonsense variants in RPS6KA3 are expected to be pathogenic. This variant is interpreted as pathogenic.

Literature cited by the submitters: PubMed 9837815 (cited by Victorian Clinical Genetics Services, Murdoch Childrens Research Institute); PubMed 16306095 (cited by Victorian Clinical Genetics Services, Murdoch Childrens Research Institute); PubMed 16879200 (cited by Victorian Clinical Genetics Services, Murdoch Childrens Research Institute); PubMed 19888300 (cited by Victorian Clinical Genetics Services, Murdoch Childrens Research Institute); PubMed 32858545 (cited by Victorian Clinical Genetics Services, Murdoch Childrens Research Institute); PubMed 35038833 (cited by Victorian Clinical Genetics Services, Murdoch Childrens Research Institute).

NM_004586.3(RPS6KA3):c.1540C>T (p.Arg514Ter)

Gene: RPS6KA3 (ribosomal protein S6 kinase A3; minus strand). Cytogenetic location: Xp22.12.
Variant type: single nucleotide variant.
Coding change: c.1540C>T on transcript NM_004586.3 (MANE Select); coding-DNA position 1540, C replaced by T.
Protein change: p.Arg514Ter; replaces arginine 514 with a stop codon.
Molecular consequence: nonsense.
Genome position (GRCh38, 1-based): chrX:20,167,651, G>A on the plus strand (C>T on the coding strand, the complement: RPS6KA3 is on the minus strand). VCF-style: chrX-20167651-G-A. GRCh37 (hg19) VCF-style: chrX-20185769-G-A.
Other names: short protein forms R514*.
Identifiers: ClinVar variation 2628505 (VCV002628505.3), dbSNP rs2519640130, ClinGen allele CA412514787.